The following is an entry in ClinVar:

ClinVar aggregate classification (germline): Uncertain significance. Review status: criteria provided, multiple submitters, no conflicts (2 of 4 stars). 3 submissions from 3 submitters: Uncertain significance (3). Last evaluated 2026-06-08.

Conditions:
RPGRIP1-related disorder. Also called: RPGRIP1-related condition.
Leber congenital amaurosis 6 (LCA6). Identifiers: Orphanet 65, MedGen C1854260, MONDO:0013446, OMIM 613826.
Cone-rod dystrophy 13 (CORD13). Identifiers: Orphanet 1872, MedGen C2750720, MONDO:0011987, OMIM 608194.

Allele frequency attached by ClinVar (database versions not stated): ESP Exome Variant Server 0.00008; TOPMed 0.00017; 1000 Genomes Project 30x 0.00078; 1000 Genomes Project 0.00080.
gnomAD v4.1: 39 of 1,613,636 alleles (0.0024%); highest among the groups gnomAD compares: African/African-American, 0.037%; 1 homozygote.

Submissions (3):

PreventionGenetics, part of Exact Sciences
Classification: Uncertain significance for RPGRIP1-related condition. Last evaluated: 2026-06-08. Review status: criteria provided, single submitter. Criteria: ACMG Guidelines, 2015. Collection method: clinical testing. Allele origin: germline.
Comment: The RPGRIP1 c.3461C>G variant is predicted to result in the amino acid substitution p.Ser1154Trp. To our knowledge, this variant has not been reported in the literature. This variant is reported in 0.050% of alleles in individuals of African descent in gnomAD, which may be too frequent to be a primary cause of disease. Although we suspect that this variant may be benign, at this time, the clinical significance of this variant is uncertain due to the absence of conclusive functional and genetic evidence.

Labcorp Genetics (formerly Invitae), Labcorp
Classification: Uncertain significance for Leber congenital amaurosis 6; Cone-rod dystrophy 13. Last evaluated: 2024-10-21. Review status: criteria provided, single submitter. Criteria: Invitae Variant Classification Sherloc (09022015). Collection method: clinical testing. Allele origin: germline.
Comment: This sequence change replaces serine, which is neutral and polar, with tryptophan, which is neutral and slightly polar, at codon 1154 of the RPGRIP1 protein (p.Ser1154Trp). This variant is present in population databases (rs188312873, gnomAD 0.05%). This variant has not been reported in the literature in individuals affected with RPGRIP1-related conditions. ClinVar contains an entry for this variant (Variation ID: 840344). Invitae Evidence Modeling of protein sequence and biophysical properties (such as structural, functional, and spatial information, amino acid conservation, physicochemical variation, residue mobility, and thermodynamic stability) indicates that this missense variant is expected to disrupt RPGRIP1 protein function with a positive predictive value of 80%. In summary, the available evidence is currently insufficient to determine the role of this variant in disease. Therefore, it has been classified as a Variant of Uncertain Significance.

Blueprint Genetics
Classification: Uncertain significance. Last evaluated: 2022-08-31. Review status: criteria provided, single submitter. Criteria: ACMG Guidelines, 2015. Collection method: clinical testing. Allele origin: germline.

NM_020366.4(RPGRIP1):c.3461C>G (p.Ser1154Trp)

Gene: RPGRIP1 (RPGR interacting protein 1; plus strand). Cytogenetic location: 14q11.2.
Variant type: single nucleotide variant.
Coding change: c.3461C>G on transcript NM_020366.4 (MANE Select); coding-DNA position 3461, C replaced by G.
Protein change: p.Ser1154Trp; replaces serine 1154 with tryptophan.
Molecular consequence: missense variant.
Genome position (GRCh38, 1-based): chr14:21,343,157, C>G. VCF-style: chr14-21343157-C-G. GRCh37 (hg19) VCF-style: chr14-21811316-C-G.
Other names: c.1439C>G, p.Ser480Trp (NM_001377523.1, NM_001377950.1); c.2387C>G, p.Ser796Trp (NM_001377948.1); c.1547C>G, p.Ser516Trp (NM_001377949.1); c.944C>G, p.Ser315Trp (NM_001377951.1); short protein forms S1154W, S315W, S796W, S480W, S516W.
Identifiers: ClinVar variation 840344 (VCV000840344.8), dbSNP rs188312873, ClinGen allele CA7089521.